The following is an entry in ClinVar:

ClinVar aggregate classification (germline): Uncertain significance. Review status: criteria provided, multiple submitters, no conflicts (2 of 4 stars). 2 submissions from 2 submitters: Uncertain significance (2). Last evaluated 2024-09-30.

Conditions:
Dyskeratosis congenita, autosomal dominant 2. Identifiers: MedGen C3151443, MONDO:0013521, OMIM 613989.
Idiopathic Pulmonary Fibrosis. Also called: Idiopathic fibrosing alveolitis, chronic form; idiopathic fibrosing alveolitis. Identifiers: Orphanet 2032, MedGen C1800706, MeSH D054990, MONDO:0800504.
Dyskeratosis congenita. Identifiers: Orphanet 1775, MedGen C0265965, MONDO:0015780.

Submissions (2):

Ambry Genetics
Classification: Uncertain significance for Dyskeratosis congenita. Last evaluated: 2024-09-30. Review status: criteria provided, single submitter. Criteria: Ambry Variant Classification Scheme 2023. Collection method: clinical testing. Allele origin: germline.
Comment: The p.P111S variant (also known as c.331C>T), located in coding exon 2 of the TERT gene, results from a C to T substitution at nucleotide position 331. The proline at codon 111 is replaced by serine, an amino acid with similar properties. This amino acid position is conserved. In addition, the in silico prediction for this alteration is inconclusive. Based on the available evidence, the clinical significance of this variant remains unclear.

Labcorp Genetics (formerly Invitae), Labcorp
Classification: Uncertain significance for Dyskeratosis congenita, autosomal dominant 2; Idiopathic Pulmonary Fibrosis. Last evaluated: 2019-04-17. Review status: criteria provided, single submitter. Criteria: Invitae Variant Classification Sherloc (09022015). Collection method: clinical testing. Allele origin: germline.
Comment: In summary, the available evidence is currently insufficient to determine the role of this variant in disease. Therefore, it has been classified as a Variant of Uncertain Significance. Algorithms developed to predict the effect of missense changes on protein structure and function (SIFT, PolyPhen-2, Align-GVGD) all suggest that this variant is likely to be tolerated, but these predictions have not been confirmed by published functional studies and their clinical significance is uncertain. This variant has not been reported in the literature in individuals with TERT-related conditions. This variant is not present in population databases (ExAC no frequency). This sequence change replaces proline with serine at codon 111 of the TERT protein (p.Pro111Ser). The proline residue is weakly conserved and there is a moderate physicochemical difference between proline and serine.

NM_198253.3(TERT):c.331C>T (p.Pro111Ser)

Gene: TERT (telomerase reverse transcriptase; minus strand). Cytogenetic location: 5p15.33.
Variant type: single nucleotide variant.
Coding change: c.331C>T on transcript NM_198253.3 (MANE Select); coding-DNA position 331, C replaced by T.
Protein change: p.Pro111Ser; replaces proline 111 with serine.
Molecular consequence: missense variant. On other transcripts: non-coding transcript variant (2).
Genome position (GRCh38, 1-based): chr5:1,294,555, G>A on the plus strand (C>T on the coding strand, the complement: TERT is on the minus strand). VCF-style: chr5-1294555-G-A. GRCh37 (hg19) VCF-style: chr5-1294670-G-A.
Other names: c.331C>T, p.Pro111Ser (NM_001193376.3); short protein forms P111S.
Identifiers: ClinVar variation 836645 (VCV000836645.11), dbSNP rs1248729123, ClinGen allele CA359058272.